The following is an entry in ClinVar:

ClinVar aggregate classification (germline): Uncertain significance (1 of 4 stars; one submission).

Conditions:
Hermansky-Pudlak syndrome 2 (HPS2). Also called: Platelet defects and oculocutaneous albinism. Identifiers: Orphanet 183678, Orphanet 79430, MedGen C1842362, MONDO:0011997, OMIM 608233.

Allele frequency attached by ClinVar (database versions not stated): TOPMed below 0.00001.

Submission:

Labcorp Genetics (formerly Invitae), Labcorp
Classification: Uncertain significance for Hermansky-Pudlak syndrome 2. Last evaluated: 2020-10-27. Review status: criteria provided, single submitter. Criteria: Invitae Variant Classification Sherloc (09022015). Collection method: clinical testing. Allele origin: germline.
Comment: This sequence change replaces serine with asparagine at codon 118 of the AP3B1 protein (p.Ser118Asn). The serine residue is moderately conserved and there is a small physicochemical difference between serine and asparagine. In summary, the available evidence is currently insufficient to determine the role of this variant in disease. Therefore, it has been classified as a Variant of Uncertain Significance. Algorithms developed to predict the effect of missense changes on protein structure and function are either unavailable or do not agree on the potential impact of this missense change (SIFT: "Tolerated"; PolyPhen-2: "Possibly Damaging"; Align-GVGD: "Class C0"). This variant has not been reported in the literature in individuals with AP3B1-related conditions. This variant is not present in population databases (ExAC no frequency).

NM_003664.5(AP3B1):c.353G>A (p.Ser118Asn)

Gene: AP3B1 (adaptor related protein complex 3 subunit beta 1; minus strand). Cytogenetic location: 5q14.1.
Variant type: single nucleotide variant.
Coding change: c.353G>A on transcript NM_003664.5 (MANE Select); coding-DNA position 353, G replaced by A.
Protein change: p.Ser118Asn; replaces serine 118 with asparagine.
Molecular consequence: missense variant.
Genome position (GRCh38, 1-based): chr5:78,228,166, C>T on the plus strand (G>A on the coding strand, the complement: AP3B1 is on the minus strand). VCF-style: chr5-78228166-C-T. GRCh37 (hg19) VCF-style: chr5-77523990-C-T.
Other names: c.206G>A, p.Ser69Asn (NM_001271769.2); short protein forms S118N, S69N.
Identifiers: ClinVar variation 1021936 (VCV001021936.8), dbSNP rs1746477844, ClinGen allele CA360191712.